The following is an entry in ClinVar:

NM_005188.4(CBL):c.1160A>T (p.Asn387Ile)

Gene: CBL (Cbl proto-oncogene; plus strand). Cytogenetic location: 11q23.3.
Variant type: single nucleotide variant.
Coding change: c.1160A>T on transcript NM_005188.4 (MANE Select); coding-DNA position 1160, A replaced by T.
Protein change: p.Asn387Ile; replaces asparagine 387 with isoleucine.
Molecular consequence: missense variant.
Genome position (GRCh38, 1-based): chr11:119,278,230, A>T. VCF-style: chr11-119278230-A-T. GRCh37 (hg19) VCF-style: chr11-119148940-A-T.
Other names: short protein forms N387I.
Identifiers: ClinVar variation 5033744 (VCV005033744.1).

ClinVar aggregate classification (germline): Uncertain significance (1 of 4 stars; one submission).

Conditions:
Cardiovascular phenotype. Identifiers: MedGen CN230736.

Submission:

Ambry Genetics
Classification: Uncertain significance for Cardiovascular phenotype. Last evaluated: 2026-07-13. Review status: criteria provided, single submitter. Criteria: Ambry Variant Classification Scheme 2023. Collection method: clinical testing. Allele origin: germline.
Comment: The p.N387I variant (also known as c.1160A>T), located in coding exon 8 of the CBL gene, results from an A to T substitution at nucleotide position 1160. The asparagine at codon 387 is replaced by isoleucine, an amino acid with dissimilar properties. This amino acid position is conserved. In addition, this alteration is predicted to be deleterious by in silico analysis. Based on the available evidence, the clinical significance of this variant remains unclear.